The following is an entry in ClinVar:

NM_000094.4(COL7A1):c.8021G>C (p.Gly2674Ala)

Gene: COL7A1 (collagen type VII alpha 1 chain; minus strand). Cytogenetic location: 3p21.31.
Variant type: single nucleotide variant.
Coding change: c.8021G>C on transcript NM_000094.4 (MANE Select); coding-DNA position 8021, G replaced by C.
Protein change: p.Gly2674Ala; replaces glycine 2674 with alanine.
Molecular consequence: missense variant.
Genome position (GRCh38, 1-based): chr3:48,567,599, C>G on the plus strand (G>C on the coding strand, the complement: COL7A1 is on the minus strand). VCF-style: chr3-48567599-C-G. GRCh37 (hg19) VCF-style: chr3-48605032-C-G.
Other names: short protein forms G2674A.
Identifiers: ClinVar variation 3907357 (VCV003907357.3).

ClinVar aggregate classification (germline): Uncertain significance (1 of 4 stars; one submission).

Submission:

Women's Health and Genetics/Laboratory Corporation of America, LabCorp
Classification: Uncertain significance. Last evaluated: 2026-01-15. Review status: criteria provided, single submitter. Criteria: LabCorp Variant Classification Summary - May 2015. Collection method: clinical testing. Allele origin: germline.
Comment: Variant summary: COL7A1 c.8021G>C (p.Gly2674Ala) results in a non-conservative amino acid change in the encoded protein sequence. This variant disrupts the triple helix domain of COL7A1. Glycine residues within the Gly-Xaa-Yaa repeats of the triple helix domain are required for the structure and stability of fibrillar collagens (PMID: 7695699, 8218237, 19344236). Algorithms developed to predict the effect of missense changes on protein structure and function all suggest that this variant is likely to be disruptive. The variant was absent in 250972 control chromosomes. The available data on variant occurrences in the general population are insufficient to allow any conclusion about variant significance. To our knowledge, no occurrence of c.8021G>C in individuals affected with COL7A1-related conditions and no experimental evidence demonstrating its impact on protein function have been reported. No submitters have cited clinical-significance assessments for this variant to ClinVar. Based on the evidence outlined above, the variant was classified as uncertain significance.